The following is an entry in ClinVar:

NM_014727.3(KMT2B):c.4571A>G (p.Asn1524Ser)

Gene: KMT2B (lysine methyltransferase 2B; plus strand). Cytogenetic location: 19q13.12.
Variant type: single nucleotide variant.
Coding change: c.4571A>G on transcript NM_014727.3 (MANE Select); coding-DNA position 4571, A replaced by G.
Protein change: p.Asn1524Ser; replaces asparagine 1524 with serine.
Molecular consequence: missense variant.
Genome position (GRCh38, 1-based): chr19:35,728,171, A>G. VCF-style: chr19-35728171-A-G. GRCh37 (hg19) VCF-style: chr19-36219072-A-G.
Other names: short protein forms N1524S.
Identifiers: ClinVar variation 3012410 (VCV003012410.3), dbSNP rs1323489565, ClinGen allele CA405414834.

ClinVar aggregate classification (germline): Uncertain significance (1 of 4 stars; one submission).

Allele frequency attached by ClinVar (database versions not stated): gnomAD 0.00001.
gnomAD v4.1: 1 of 1,587,826 alleles (0.000063%); no homozygotes.

Submission:

Labcorp Genetics (formerly Invitae), Labcorp
Classification: Uncertain significance. Last evaluated: 2023-10-23. Review status: criteria provided, single submitter. Criteria: Invitae Variant Classification Sherloc (09022015). Collection method: clinical testing. Allele origin: germline.
Comment: This sequence change replaces asparagine, which is neutral and polar, with serine, which is neutral and polar, at codon 1524 of the KMT2B protein (p.Asn1524Ser). This variant is present in population databases (no rsID available, gnomAD 0.03%). This variant has not been reported in the literature in individuals affected with KMT2B-related conditions. Experimental studies and prediction algorithms are not available or were not evaluated, and the functional significance of this variant is currently unknown. In summary, the available evidence is currently insufficient to determine the role of this variant in disease. Therefore, it has been classified as a Variant of Uncertain Significance.